The following is an entry in ClinVar:

ClinVar aggregate classification (germline): Benign/Likely benign. Review status: criteria provided, multiple submitters, no conflicts (2 of 4 stars). 3 submissions from 3 submitters: Benign (1); Likely benign (2). Last evaluated 2025-05-09.

Conditions:
CACNA1C-related disorder. Also called: CACNA1C-related disorders; CACNA1C-related condition. Identifiers: MONDO:0700321, MedGen CN381092.

Allele frequency attached by ClinVar (database versions not stated): ExAC 0.00005; TOPMed 0.00006; gnomAD 0.00005; gnomAD exomes 0.00008 and 0.00005.
gnomAD v4.1: 116 of 1,560,476 alleles (0.0074%); highest among the groups gnomAD compares: Non-Finnish European, 0.0093%; no homozygotes.

Submissions (3):

PreventionGenetics, part of Exact Sciences
Classification: Likely benign for CACNA1C-related condition. Last evaluated: 2025-05-09. Review status: criteria provided, single submitter. Criteria: ACMG Guidelines, 2015. Collection method: clinical testing. Allele origin: germline.
Comment: This variant is classified as likely benign based on ACMG/AMP sequence variant interpretation guidelines (Richards et al. 2015 PMID: 25741868, with internal and published modifications).

Blueprint Genetics
Classification: Likely benign. Last evaluated: 2024-09-02. Review status: criteria provided, single submitter. Criteria: ACMG Guidelines, 2015. Collection method: clinical testing. Allele origin: germline.

GeneDx
Classification: Benign. Last evaluated: 2015-04-23. Review status: criteria provided, single submitter. Criteria: GeneDx Variant Classification (06012015). Collection method: clinical testing. Allele origin: germline. Affected: yes.
Comment: This variant is considered likely benign or benign based on one or more of the following criteria: it is a conservative change, it occurs at a poorly conserved position in the protein, it is predicted to be benign by multiple in silico algorithms, and/or has population frequency not consistent with disease.

NM_000719.7(CACNA1C):c.5444+609C>T

Genes: CACNA1C (calcium voltage-gated channel subunit alpha1 C; plus strand), CACNA1C-AS1 (CACNA1C antisense RNA 1; minus strand). Cytogenetic location: 12p13.33.
Variant type: single nucleotide variant.
Coding change: c.5444+609C>T on transcript NM_000719.7 (MANE Select); 609 bases into the intron after coding-DNA position 5444, C replaced by T.
Molecular consequence: intron variant. On other transcripts: synonymous variant (1).
Genome position (GRCh38, 1-based): chr12:2,680,405, C>T. VCF-style: chr12-2680405-C-T. GRCh37 (hg19) VCF-style: chr12-2789571-C-T.
Other names: c.5454C>T, p.Pro1818= (NM_001167625.2); c.5444+609C>T (NM_001167624.3, NM_001167623.2, NM_001129840.2 and 4 more transcripts); c.5588+609C>T (NM_199460.4, NM_001129827.2); c.5504+609C>T (NM_001129832.2); c.5528+609C>T (NM_001129831.2); c.5501+609C>T (NM_001129833.2, NM_001129834.2, NM_001129835.2); c.5567+609C>T (NM_001129829.2); c.5468+609C>T (NM_001129837.2, NM_001129838.2); and 5 more.
Identifiers: ClinVar variation 377614 (VCV000377614.3), dbSNP rs760873868, ClinGen allele CA6389792.
Genomic context (GRCh38, chr12:2,680,405, plus strand): 5'-CTCATCCCTGTGCTCTAGGATGCACTGCTGTGACATGCTGGATGGTGGGACCTTCCCTCC[C>T]GCCCTGGGCCCCCGCAGGGCTCCTCCCTGTCTGCATCAGCAGCTCCAGGGTTCCCTGGCG-3'